The following is an entry in ClinVar:

ClinVar aggregate classification (germline): Benign. Review status: criteria provided, multiple submitters, no conflicts (2 of 4 stars). 9 submissions from 9 submitters: Benign (7). 2 of the submissions do not count toward it. Last evaluated 2026-02-04.

Conditions:
Weill-Marchesani 4 syndrome, recessive. Also called: Weill-Marchesani syndrome 4. Identifiers: Orphanet 363992, MedGen C2750787, MONDO:0013176, OMIM 613195.

Allele frequency attached by ClinVar (database versions not stated): ESP Exome Variant Server 0.36257; gnomAD exomes 0.36868 and 0.42831; gnomAD 0.39054 and 0.39724; TOPMed 0.41218; ExAC 0.42600; 1000 Genomes Project 30x 0.48282; 1000 Genomes Project 0.48462.
gnomAD v4.1: 600,409 of 1,612,196 alleles (37%); highest among the groups gnomAD compares: Admixed American, 58%; 117,670 homozygotes.

Submissions (9):

Labcorp Genetics (formerly Invitae), Labcorp
Classification: Benign. Last evaluated: 2026-02-04. Review status: criteria provided, single submitter. Criteria: Invitae Variant Classification Sherloc (09022015). Collection method: clinical testing. Allele origin: germline.

Blueprint Genetics
Classification: Benign. Last evaluated: 2024-11-27. Review status: criteria provided, single submitter. Criteria: ACMG Guidelines, 2015. Collection method: clinical testing. Allele origin: germline.

Mayo Clinic Laboratories, Mayo Clinic
Classification: Benign. Last evaluated: 2022-04-26. Review status: criteria provided, single submitter. Criteria: ACMG Guidelines, 2015. Collection method: clinical testing. Allele origin: germline. Observed: 427 variant alleles.

Genome-Nilou Lab
Classification: Benign for Weill-Marchesani 4 syndrome, recessive. Last evaluated: 2021-07-14. Review status: criteria provided, single submitter. Criteria: ACMG Guidelines, 2015. Collection method: clinical testing. Allele origin: germline. Affected: no.

GeneDx
Classification: Benign. Last evaluated: 2018-09-04. Review status: criteria provided, single submitter. Criteria: GeneDx Variant Classification Process June 2021. Collection method: clinical testing. Allele origin: germline. Affected: yes.

Illumina Laboratory Services, Illumina
Classification: Benign for Weill-Marchesani 4 syndrome, recessive. Last evaluated: 2018-01-12. Review status: criteria provided, single submitter. Criteria: ICSL Variant Classification Criteria 13 December 2019. Collection method: clinical testing. Allele origin: germline.
Comment: This variant was observed in the ICSL laboratory as part of a predisposition screen in an ostensibly healthy population. It had not been previously curated by ICSL or reported in the Human Gene Mutation Database (HGMD: prior to June 1st, 2018), and was therefore a candidate for classification through an automated scoring system. Utilizing variant allele frequency, disease prevalence and penetrance estimates, and inheritance mode, an automated score was calculated to assess if this variant is too frequent to cause the disease. Based on the score and internal cut-off values, a variant classified as benign is not then subjected to further curation. The score for this variant resulted in a classification of benign for this disease.

Breakthrough Genomics
Classification: Benign. Review status: criteria provided, single submitter. Criteria: ACMG Guidelines, 2015. Collection method: not provided. Allele origin: germline. Inheritance: Autosomal recessive inheritance. Affected: yes.

Diagnostic Laboratory, Department of Genetics, University Medical Center Groningen
Classification: Benign for Weill-Marchesani 4 syndrome, recessive. Review status: no assertion criteria provided. Collection method: clinical testing. Allele origin: germline. Affected: yes. Study: VKGL Data-share Consensus. Not counted in ClinVar's aggregate classification.

Genome Diagnostics Laboratory, Amsterdam University Medical Center
Classification: Benign. Review status: no assertion criteria provided. Collection method: clinical testing. Allele origin: germline. Affected: yes. Study: VKGL Data-share Consensus. Not counted in ClinVar's aggregate classification.

NM_139057.4(ADAMTS17):c.647C>T (p.Ser216Leu)

Gene: ADAMTS17 (ADAM metallopeptidase with thrombospondin type 1 motif 17; minus strand). Cytogenetic location: 15q26.3.
Variant type: single nucleotide variant.
Coding change: c.647C>T on transcript NM_139057.4 (MANE Select); coding-DNA position 647, C replaced by T.
Protein change: p.Ser216Leu; replaces serine 216 with leucine.
Molecular consequence: missense variant.
Genome position (GRCh38, 1-based): chr15:100,281,371, G>A on the plus strand (C>T on the coding strand, the complement: ADAMTS17 is on the minus strand). VCF-style: chr15-100281371-G-A. GRCh37 (hg19) VCF-style: chr15-100821576-G-A.
Other names: short protein forms S216L.
Identifiers: ClinVar variation 315314 (VCV000315314.21), dbSNP rs7496668, ClinGen allele CA7758631.